The following is an entry in ClinVar:

ClinVar aggregate classification (germline): Likely pathogenic (1 of 4 stars; one submission).

Submission:

GeneDx
Classification: Likely pathogenic. Last evaluated: 2016-01-21. Review status: criteria provided, single submitter. Criteria: GeneDx Variant Classification (06012015). Collection method: clinical testing. Allele origin: germline. Affected: yes.
Comment: The N2020Y variant has not been published as a pathogenic variant, nor has it been reported is a benign variant to our knowledge. It was not observed in approximately 6,500 individuals of European and African American ancestry in the NHLBI Exome Sequencing Project, indicating it is not a common benign variant in these populations. The N2020Y variant is a semi-conservative amino acid substitution, which may impact secondary protein structure as these residues differ in some properties. In silico analysis predicts this variant is probably damaging to the protein structure/function. This substitution occurs at a position that is conserved across species, and a different substitution at the same position (N2020S) has been reported in an individual with Sotos syndrome (Waggoner et al., 2005). Additionally, missense variants in nearby residues (R2017W; R2017Q; H2021R) have also been reported in association with Sotos syndrome (Stenson et al., 2014), supporting the functional importance of this region of the protein. Therefore, the N202Y variant is a strong candidate for a pathogenic variant, however the possibility that it is a benign variant cannot be excluded.

NM_022455.5(NSD1):c.6058A>T (p.Asn2020Tyr)

Gene: NSD1 (nuclear receptor binding SET domain protein 1; plus strand). Cytogenetic location: 5q35.3.
Variant type: single nucleotide variant.
Coding change: c.6058A>T on transcript NM_022455.5 (MANE Select); coding-DNA position 6058, A replaced by T.
Protein change: p.Asn2020Tyr; replaces asparagine 2020 with tyrosine.
Molecular consequence: missense variant.
Genome position (GRCh38, 1-based): chr5:177,283,835, A>T. VCF-style: chr5-177283835-A-T. GRCh37 (hg19) VCF-style: chr5-176710836-A-T.
Other names: c.5185A>T, p.Asn1729Tyr (NM_001365684.2, NM_001409308.1, NM_172349.5); c.6058A>T, p.Asn2020Tyr (NM_001409301.1, NM_001409302.1, NM_001409303.1); c.5638A>T, p.Asn1880Tyr (NM_001409304.1); c.5305A>T, p.Asn1769Tyr (NM_001409305.1); c.5296A>T, p.Asn1766Tyr (NM_001409306.1, NM_001409307.1); short protein forms N2020Y, N1751Y, N1766Y, N1769Y, N1880Y, N1729Y.
Identifiers: ClinVar variation 372890 (VCV000372890.1), dbSNP rs1057518052, ClinGen allele CA16042519.